The following is an entry in ClinVar:

ClinVar aggregate classification (germline): Uncertain significance (1 of 4 stars; one submission).

Submission:

Labcorp Genetics (formerly Invitae), Labcorp
Classification: Uncertain significance. Last evaluated: 2024-01-08. Review status: criteria provided, single submitter. Criteria: Invitae Variant Classification Sherloc (09022015). Collection method: clinical testing. Allele origin: germline.
Comment: This sequence change replaces asparagine, which is neutral and polar, with aspartic acid, which is acidic and polar, at codon 446 of the CNNM4 protein (p.Asn446Asp). This variant is not present in population databases (gnomAD no frequency). This variant has not been reported in the literature in individuals affected with CNNM4-related conditions. ClinVar contains an entry for this variant (Variation ID: 2102398). Advanced modeling of protein sequence and biophysical properties (such as structural, functional, and spatial information, amino acid conservation, physicochemical variation, residue mobility, and thermodynamic stability) performed at Invitae indicates that this missense variant is not expected to disrupt CNNM4 protein function with a negative predictive value of 80%. In summary, the available evidence is currently insufficient to determine the role of this variant in disease. Therefore, it has been classified as a Variant of Uncertain Significance.

NM_020184.4(CNNM4):c.1336A>G (p.Asn446Asp)

Gene: CNNM4 (cyclin and CBS domain divalent metal cation transport mediator 4; plus strand). Cytogenetic location: 2q11.2.
Variant type: single nucleotide variant.
Coding change: c.1336A>G on transcript NM_020184.4 (MANE Select); coding-DNA position 1336, A replaced by G.
Protein change: p.Asn446Asp; replaces asparagine 446 with aspartic acid.
Molecular consequence: missense variant.
Genome position (GRCh38, 1-based): chr2:96,762,335, A>G. VCF-style: chr2-96762335-A-G. GRCh37 (hg19) VCF-style: chr2-97428072-A-G.
Other names: short protein forms N446D.
Identifiers: ClinVar variation 2102398 (VCV002102398.4), dbSNP rs2469456264, ClinGen allele CA347717534.